The following is an entry in ClinVar:

NM_000268.4(NF2):c.281T>G (p.Phe94Cys)

Gene: NF2 (NF2, moesin-ezrin-radixin like (MERLIN) tumor suppressor; plus strand). Cytogenetic location: 22q12.2.
Variant type: single nucleotide variant.
Coding change: c.281T>G on transcript NM_000268.4 (MANE Select); coding-DNA position 281, T replaced by G.
Protein change: p.Phe94Cys; replaces phenylalanine 94 with cysteine.
Molecular consequence: missense variant. On other transcripts: intron variant (3), non-coding transcript variant (1).
Genome position (GRCh38, 1-based): chr22:29,639,130, T>G. VCF-style: chr22-29639130-T-G. GRCh37 (hg19) VCF-style: chr22-30035119-T-G.
Other names: c.115-3072T>G (NM_181831.3, NM_181830.3); c.281T>G, p.Phe94Cys (NM_016418.5, NM_181825.3, NM_181832.3 and 1 more transcripts); c.155T>G, p.Phe52Cys (NM_181828.3); c.240+2254T>G (NM_181829.3); short protein forms F52C, F94C.
Identifiers: ClinVar variation 821853 (VCV000821853.6), dbSNP rs1601583588, ClinGen allele CA411153178.

ClinVar aggregate classification (germline): Uncertain significance. Review status: criteria provided, multiple submitters, no conflicts (2 of 4 stars). 2 submissions from 2 submitters: Uncertain significance (2). Last evaluated 2025-11-24.

Conditions:
Neurofibromatosis, type 2 (SWNV). Also called: BILATERAL ACOUSTIC NEUROFIBROMATOSIS; SCHWANNOMATOSIS, VESTIBULAR; NF2-Related Schwannomatosis. Identifiers: Orphanet 637, MedGen C0027832, MONDO:0007039, OMIM 101000. Disease mechanism: loss of function.
Hereditary cancer-predisposing syndrome. Also called: Tumor predisposition; Hereditary Cancer Syndrome; Hereditary neoplastic syndrome; Neoplastic Syndromes, Hereditary. Identifiers: Orphanet 140162, MedGen C0027672, MeSH D009386, MONDO:0015356.

Allele frequency attached by ClinVar (database versions not stated): TOPMed 0.00001.

Submissions (2):

Labcorp Genetics (formerly Invitae), Labcorp
Classification: Uncertain significance for Neurofibromatosis, type 2. Last evaluated: 2025-11-24. Review status: criteria provided, single submitter. Criteria: Invitae Variant Classification Sherloc (09022015). Collection method: clinical testing. Allele origin: germline.
Comment: This sequence change replaces phenylalanine, which is neutral and non-polar, with cysteine, which is neutral and slightly polar, at codon 94 of the NF2 protein (p.Phe94Cys). This variant is not present in population databases (gnomAD no frequency). This variant has not been reported in the literature in individuals affected with NF2-related conditions. ClinVar contains an entry for this variant (Variation ID: 821853). Invitae Evidence Modeling of protein sequence and biophysical properties (such as structural, functional, and spatial information, amino acid conservation, physicochemical variation, residue mobility, and thermodynamic stability) indicates that this missense variant is expected to disrupt NF2 protein function with a positive predictive value of 80%. In summary, the available evidence is currently insufficient to determine the role of this variant in disease. Therefore, it has been classified as a Variant of Uncertain Significance.

Ambry Genetics
Classification: Uncertain significance for Hereditary cancer-predisposing syndrome. Last evaluated: 2024-03-15. Review status: criteria provided, single submitter. Criteria: Ambry Variant Classification Scheme 2023. Collection method: clinical testing. Allele origin: germline.
Comment: The p.F94C variant (also known as c.281T>G), located in coding exon 3 of the NF2 gene, results from a T to G substitution at nucleotide position 281. The phenylalanine at codon 94 is replaced by cysteine, an amino acid with highly dissimilar properties. This amino acid position is highly conserved in available vertebrate species. In addition, this alteration is predicted to be deleterious by in silico analysis. Based on the available evidence, the clinical significance of this alteration remains unclear.